The following is an entry in ClinVar:

ClinVar aggregate classification (germline): Benign. Review status: criteria provided, multiple submitters, no conflicts (2 of 4 stars). 3 submissions from 3 submitters: Benign (3). Last evaluated 2026-01-28.

Conditions:
POP1-related disorder. Also called: POP1-related condition.

Allele frequency attached by ClinVar (database versions not stated): gnomAD exomes 0.00607 and 0.01382; ExAC 0.01591; gnomAD 0.02733 and 0.02748; ESP Exome Variant Server 0.02791; TOPMed 0.02873; 1000 Genomes Project 30x 0.03326; 1000 Genomes Project 0.03375.
gnomAD v4.1: 13,209 of 1,614,182 alleles (0.82%); highest among the groups gnomAD compares: African/African-American, 8.4%; 436 homozygotes.

Submissions (3):

Labcorp Genetics (formerly Invitae), Labcorp
Classification: Benign. Last evaluated: 2026-01-28. Review status: criteria provided, single submitter. Criteria: Invitae Variant Classification Sherloc (09022015). Collection method: clinical testing. Allele origin: germline.

PreventionGenetics, part of Exact Sciences
Classification: Benign for POP1-related condition. Last evaluated: 2025-12-13. Review status: criteria provided, single submitter. Criteria: ACMG Guidelines, 2015. Collection method: clinical testing. Allele origin: germline.
Comment: This variant is classified as benign based on ACMG/AMP sequence variant interpretation guidelines (Richards et al. 2015 PMID: 25741868, with internal and published modifications).

Breakthrough Genomics
Classification: Benign. Review status: criteria provided, single submitter. Criteria: ACMG Guidelines, 2015. Collection method: not provided. Allele origin: germline. Inheritance: Autosomal recessive inheritance. Affected: yes.

NM_001145860.2(POP1):c.2532T>C (p.Ala844=)

Gene: POP1 (POP1 ribonuclease P/MRP subunit; plus strand). Cytogenetic location: 8q22.2.
Variant type: single nucleotide variant.
Coding change: c.2532T>C on transcript NM_001145860.2 (MANE Select); coding-DNA position 2532, T replaced by C.
Protein change: p.Ala844=; no amino-acid change (alanine 844 retained).
Molecular consequence: synonymous variant.
Genome position (GRCh38, 1-based): chr8:98,157,728, T>C. VCF-style: chr8-98157728-T-C. GRCh37 (hg19) VCF-style: chr8-99169956-T-C.
Other names: c.2532T>C, p.Ala844= (NM_001145861.2, NM_015029.3); c.2532T>C (NM_015029.2).
Identifiers: ClinVar variation 1560991 (VCV001560991.10), dbSNP rs12541183, ClinGen allele CA4820870.